The following is an entry in ClinVar:

NM_024422.6(DSC2):c.746C>A (p.Thr249Asn)

Gene: DSC2 (desmocollin 2; minus strand). Cytogenetic location: 18q12.1.
Variant type: single nucleotide variant.
Coding change: c.746C>A on transcript NM_024422.6 (MANE Select); coding-DNA position 746, C replaced by A.
Protein change: p.Thr249Asn; replaces threonine 249 with asparagine.
Molecular consequence: missense variant.
Genome position (GRCh38, 1-based): chr18:31,087,698, G>T on the plus strand (C>A on the coding strand, the complement: DSC2 is on the minus strand). VCF-style: chr18-31087698-G-T. GRCh37 (hg19) VCF-style: chr18-28667661-G-T.
Other names: c.746C>A, p.Thr249Asn (NM_004949.5); short protein forms T249N.
Identifiers: ClinVar variation 960002 (VCV000960002.14), dbSNP rs1987447409, ClinGen allele CA402112670.
Genomic context (GRCh38, chr18:31,087,698, plus strand): 5'-TTTGCCATATATTGTTTAAGGAGGTACTCACCCACTCTGCAATTTTCAAAAATTGTAAAA[G>T]TATAAGTTTCTTCTGTAAAAATTGGGTAGTTATCATTTTCATCCTCTATTTTGATTATTA-3'
Protein context (NP_077740.1, residues 239-259): NYPIFTEETY[Thr249Asn]FTIFENCRVG

ClinVar aggregate classification (germline): Uncertain significance. Review status: criteria provided, multiple submitters, no conflicts (2 of 4 stars). 4 submissions from 4 submitters: Uncertain significance (4). Last evaluated 2023-10-02.

Conditions:
Cardiovascular phenotype. Identifiers: MedGen CN230736.
Familial isolated arrhythmogenic right ventricular dysplasia. Identifiers: Orphanet 217656, MedGen C4274968, MONDO:0016342.
Arrhythmogenic right ventricular dysplasia 11. Also called: Arrhythmogenic Right Ventricular Dysplasia/Cardiomyopathy11; ARRHYTHMOGENIC RIGHT VENTRICULAR DYSPLASIA, FAMILIAL, 11; Arrhythmogenic right ventricular dysplasia 11 with mild palmoplantar keratoderma and woolly hair. Identifiers: MedGen C1864850, MONDO:0012506, OMIM 610476.

Allele frequency attached by ClinVar (database versions not stated): gnomAD 0.00001; gnomAD exomes below 0.00001.
gnomAD v4.1: 7 of 1,613,096 alleles (0.00043%); highest among the groups gnomAD compares: Admixed American, 0.0017%; no homozygotes.

Submissions (4):

All of Us Research Program, National Institutes of Health
Classification: Uncertain significance for Familial isolated arrhythmogenic right ventricular dysplasia. Last evaluated: 2023-10-02. Review status: criteria provided, single submitter. Criteria: ACMG Guidelines, 2015. Collection method: clinical testing. Allele origin: germline. Inheritance: Autosomal dominant inheritance. Observed: 1 variant allele, 1 heterozygote.
Comment: This missense variant replaces threonine with asparagine at codon 249 of the DSC2 protein. Computational prediction suggests that this variant may not impact protein structure and function (internally defined REVEL score threshold <= 0.5, PMID: 27666373). To our knowledge, functional studies have not been reported for this variant. This variant has not been reported in individuals affected with DSC2-related disorders in the literature. This variant has not been identified in the general population by the Genome Aggregation Database (gnomAD). The available evidence is insufficient to determine the role of this variant in disease conclusively. Therefore, this variant is classified as a Variant of Uncertain Significance.

This study involves interpretation of variants in research participants for the purpose of population health screening. Participant phenotype was not available at the time of variant classification. Additional details can be found in publication PMID: 35346344, PMCID: PMC8962531

Labcorp Genetics (formerly Invitae), Labcorp
Classification: Uncertain significance for Arrhythmogenic right ventricular dysplasia 11. Last evaluated: 2022-07-30. Review status: criteria provided, single submitter. Criteria: Invitae Variant Classification Sherloc (09022015). Collection method: clinical testing. Allele origin: germline.
Comment: This variant has not been reported in the literature in individuals affected with DSC2-related conditions. This variant is not present in population databases (gnomAD no frequency). This sequence change replaces threonine, which is neutral and polar, with asparagine, which is neutral and polar, at codon 249 of the DSC2 protein (p.Thr249Asn). In summary, the available evidence is currently insufficient to determine the role of this variant in disease. Therefore, it has been classified as a Variant of Uncertain Significance. Algorithms developed to predict the effect of missense changes on protein structure and function (SIFT, PolyPhen-2, Align-GVGD) all suggest that this variant is likely to be tolerated. ClinVar contains an entry for this variant (Variation ID: 960002).

Ambry Genetics
Classification: Uncertain significance for Cardiovascular phenotype. Last evaluated: 2022-03-19. Review status: criteria provided, single submitter. Criteria: Ambry Variant Classification Scheme 2023. Collection method: clinical testing. Allele origin: germline.
Comment: The p.T249N variant (also known as c.746C>A), located in coding exon 6 of the DSC2 gene, results from a C to A substitution at nucleotide position 746. The threonine at codon 249 is replaced by asparagine, an amino acid with similar properties. This amino acid position is conserved. In addition, this alteration is predicted to be tolerated by in silico analysis. Since supporting evidence is limited at this time, the clinical significance of this alteration remains unclear.

GeneDx
Classification: Uncertain significance. Last evaluated: 2020-11-18. Review status: criteria provided, single submitter. Criteria: GeneDx Variant Classification Process June 2021. Collection method: clinical testing. Allele origin: germline. Affected: yes.
Comment: Has not been previously published as pathogenic or benign to our knowledge; Not observed in large population cohorts (Lek et al., 2016); In silico analysis, which includes protein predictors and evolutionary conservation, supports that this variant does not alter protein structure/function